The following is an entry in ClinVar:

NM_001080414.4(CCDC88C):c.1808A>G (p.Asn603Ser)

Gene: CCDC88C (coiled-coil and HOOK domain protein 88C; minus strand). Cytogenetic location: 14q32.11.
Variant type: single nucleotide variant.
Coding change: c.1808A>G on transcript NM_001080414.4 (MANE Select); coding-DNA position 1808, A replaced by G.
Protein change: p.Asn603Ser; replaces asparagine 603 with serine.
Molecular consequence: missense variant. On other transcripts: non-coding transcript variant (2).
Genome position (GRCh38, 1-based): chr14:91,314,008, T>C on the plus strand (A>G on the coding strand, the complement: CCDC88C is on the minus strand). VCF-style: chr14-91314008-T-C. GRCh37 (hg19) VCF-style: chr14-91780352-T-C.
Other names: short protein forms N603S.
Identifiers: ClinVar variation 3828897 (VCV003828897.2).

ClinVar aggregate classification (germline): Conflicting classifications of pathogenicity. Review status: criteria provided, conflicting classifications (1 of 4 stars). 2 submissions from 2 submitters: Uncertain significance (1); Likely benign (1). Last evaluated 2025-09-03.

Conditions:
Inborn genetic diseases. Identifiers: MedGen C0950123, MeSH D030342.

gnomAD v4.1: 24 of 1,613,898 alleles (0.0015%); highest among the groups gnomAD compares: Non-Finnish European, 0.0019%; no homozygotes.

Submissions (2):

Labcorp Genetics (formerly Invitae), Labcorp
Classification: Uncertain significance. Last evaluated: 2025-09-03. Review status: criteria provided, single submitter. Criteria: Invitae Variant Classification Sherloc (09022015). Collection method: clinical testing. Allele origin: germline.
Comment: This sequence change replaces asparagine, which is neutral and polar, with serine, which is neutral and polar, at codon 603 of the CCDC88C protein (p.Asn603Ser). This variant is present in population databases (rs771647881, gnomAD 0.004%). This variant has not been reported in the literature in individuals affected with CCDC88C-related conditions. ClinVar contains an entry for this variant (Variation ID: 3828897). An algorithm developed to predict the effect of missense changes on protein structure and function outputs the following: PolyPhen-2: "Benign". The serine amino acid residue is found in multiple mammalian species, which suggests that this missense change does not adversely affect protein function. In summary, the available evidence is currently insufficient to determine the role of this variant in disease. Therefore, it has been classified as a Variant of Uncertain Significance.

Ambry Genetics
Classification: Likely benign for Inborn genetic diseases. Last evaluated: 2025-01-22. Review status: criteria provided, single submitter. Criteria: Ambry Variant Classification Scheme 2023. Collection method: clinical testing. Allele origin: germline.